The following is an entry in ClinVar:

ClinVar aggregate classification (germline): Likely benign. Review status: criteria provided, multiple submitters, no conflicts (2 of 4 stars). 2 submissions from 2 submitters: Likely benign (2). Last evaluated 2023-05-01.

Allele frequency attached by ClinVar (database versions not stated): TOPMed 0.00002; gnomAD 0.00003; ESP Exome Variant Server 0.00015.
gnomAD v4.1: 66 of 1,605,572 alleles (0.0041%); highest among the groups gnomAD compares: South Asian, 0.034%; no homozygotes.

Submissions (2):

CeGaT Center for Human Genetics Tuebingen
Classification: Likely benign. Last evaluated: 2023-05-01. Review status: criteria provided, single submitter. Criteria: CeGaT Center For Human Genetics Tuebingen Variant Classification Criteria Version 2. Collection method: clinical testing. Allele origin: germline. Affected: yes. Observed: 1 variant allele.
Comment: KMT2C: BP4

Labcorp Genetics (formerly Invitae), Labcorp
Classification: Likely benign. Last evaluated: 2022-10-25. Review status: criteria provided, single submitter. Criteria: Invitae Variant Classification Sherloc (09022015). Collection method: clinical testing. Allele origin: germline.

NM_170606.3(KMT2C):c.14644-8G>A

Gene: KMT2C (lysine methyltransferase 2C; minus strand). Cytogenetic location: 7q36.1.
Variant type: single nucleotide variant.
Coding change: c.14644-8G>A on transcript NM_170606.3 (MANE Select); 8 bases into the intron before coding-DNA position 14644, G replaced by A.
Molecular consequence: intron variant.
Genome position (GRCh38, 1-based): chr7:152,136,932, C>T on the plus strand (G>A on the coding strand, the complement: KMT2C is on the minus strand). VCF-style: chr7-152136932-C-T. GRCh37 (hg19) VCF-style: chr7-151834017-C-T.
Identifiers: ClinVar variation 2193125 (VCV002193125.28), dbSNP rs373607948, ClinGen allele CA4578323.